The following is an entry in ClinVar:

NM_018706.7(DHTKD1):c.2659del (p.Leu887fs)

Gene: DHTKD1 (dehydrogenase E1 and transketolase domain containing 1; plus strand). Cytogenetic location: 10p14.
Variant type: Deletion.
Coding change: c.2659del on transcript NM_018706.7 (MANE Select); coding-DNA position 2659, one base deleted (C; older notation c.2659delC).
Protein change: p.Leu887fs; shifts the reading frame from leucine 887.
Molecular consequence: frameshift variant.
Genome position (GRCh38, 1-based): chr10:12,120,787, C deleted. VCF-style (leftmost placement, unchanged base first): chr10-12120786-GC-G. GRCh37 (hg19) VCF-style: chr10-12162785-GC-G.
Other names: short protein forms L887fs.
Identifiers: ClinVar variation 915264 (VCV000915264.2), dbSNP rs1833514594, ClinGen allele CA1139661390.
Genomic context (GRCh38, chr10:12,120,786, plus strand): 5'-ACTAAGCAGAGCTCTGATCTAGTCAAAATGTCATTTTATTTCTTCTCTGCTGCACTTATA[GC>G]TCCGTCTGGTGGGCCGGCCCCCTTTGCCAGTACCCGCTGTAGGAATTGGCACAGTTCACT-3'

ClinVar aggregate classification (germline): Uncertain significance (0 of 4 stars; one submission).

Conditions:
Charcot-Marie-Tooth disease axonal type 2Q. Also called: CHARCOT-MARIE-TOOTH NEUROPATHY, TYPE 2Q; CHARCOT-MARIE-TOOTH DISEASE, AXONAL, AUTOSOMAL DOMINANT, TYPE 2Q. Identifiers: Orphanet 329258, MedGen C3554366, MONDO:0014012, OMIM 615025.

Submission:

Neuromuscular Department, Shariati Hospital, Tehran University of Medical Sciences
Classification: Uncertain significance for Charcot-Marie-Tooth disease axonal type 2Q. Last evaluated: 2020-04-26. Review status: no assertion criteria provided. Collection method: clinical testing. Allele origin: germline. Inheritance: Autosomal dominant inheritance. Affected: yes. Observed: 1 heterozygote.
Comment: Bicipital and knee DTRs were preserved and upper limbs seemed normal. The electrodiagnostic study was in favor of length-dependent sensorimotor axonal polyneuropathy.